The following is an entry in ClinVar:

NM_004563.4(PCK2):c.1705C>T (p.Arg569Ter)

Genes: NRL (neural retina leucine zipper; minus strand), PCK2 (phosphoenolpyruvate carboxykinase 2, mitochondrial; plus strand). Cytogenetic location: 14q12.
Variant type: single nucleotide variant.
Coding change: c.1705C>T on transcript NM_004563.4 (MANE Select); coding-DNA position 1705, C replaced by T.
Protein change: p.Arg569Ter; replaces arginine 569 with a stop codon.
Molecular consequence: nonsense. On other transcripts: intron variant (3).
Genome position (GRCh38, 1-based): chr14:24,103,746, C>T. VCF-style: chr14-24103746-C-T. GRCh37 (hg19) VCF-style: chr14-24572955-C-T.
Other names: c.1303C>T, p.Arg435Ter (NM_001291556.2, NM_001308054.2); c.-28+10976G>A (NM_001354768.3, NM_001354770.2); c.-254+10976G>A (NM_006177.5); short protein forms R435*, R569*.
Identifiers: ClinVar variation 3613405 (VCV003613405.2).

ClinVar aggregate classification (germline): Uncertain significance (1 of 4 stars; one submission).

gnomAD v4.1: 18 of 1,614,016 alleles (0.0011%); highest among the groups gnomAD compares: Middle Eastern, 0.016%; no homozygotes.

Submission:

Labcorp Genetics (formerly Invitae), Labcorp
Classification: Uncertain significance. Last evaluated: 2025-07-30. Review status: criteria provided, single submitter. Criteria: Invitae Variant Classification Sherloc (09022015). Collection method: clinical testing. Allele origin: germline.
Comment: This sequence change creates a premature translational stop signal (p.Arg569*) in the PCK2 gene. While this is not anticipated to result in nonsense mediated decay, it is expected to disrupt the last 72 amino acid(s) of the PCK2 protein. This variant is present in population databases (rs532946144, gnomAD 0.006%). This variant has not been reported in the literature in individuals affected with PCK2-related conditions. ClinVar contains an entry for this variant (Variation ID: 3613405). Experimental studies and prediction algorithms are not available or were not evaluated, and the functional significance of this variant is currently unknown. In summary, the available evidence is currently insufficient to determine the role of this variant in disease. Therefore, it has been classified as a Variant of Uncertain Significance.